The following is an entry in ClinVar:

ClinVar aggregate classification (germline): Benign/Likely benign. Review status: criteria provided, multiple submitters, no conflicts (2 of 4 stars). 2 submissions from 2 submitters: Benign (1); Likely benign (1). Last evaluated 2025-10-29.

Conditions:
SLC35A2-congenital disorder of glycosylation. Also called: CONGENITAL DISORDER OF GLYCOSYLATION, TYPE IIm; CDG IIm; CONGENITAL DISORDER OF GLYCOSYLATION, TYPE IIm, SOMATIC MOSAIC; SLC35A2-CDG; EPILEPTIC ENCEPHALOPATHY, EARLY INFANTILE, 22; DEVELOPMENTAL AND EPILEPTIC ENCEPHALOPATHY 22. Identifiers: Orphanet 356961, MedGen C3806688, MONDO:0010478, OMIM 300896.

Allele frequency attached by ClinVar (database versions not stated): gnomAD 0.00012; gnomAD exomes 0.00019; ExAC 0.00035; 1000 Genomes Project 30x 0.00166; 1000 Genomes Project 0.00185.
gnomAD v4.1: 208 of 1,146,613 alleles (0.018%); highest among the groups gnomAD compares: South Asian, 0.42%; no homozygotes.

Submissions (2):

Labcorp Genetics (formerly Invitae), Labcorp
Classification: Benign for SLC35A2-congenital disorder of glycosylation. Last evaluated: 2025-10-29. Review status: criteria provided, single submitter. Criteria: Invitae Variant Classification Sherloc (09022015). Collection method: clinical testing. Allele origin: germline.

CeGaT Center for Human Genetics Tuebingen
Classification: Likely benign. Last evaluated: 2023-04-01. Review status: criteria provided, single submitter. Criteria: CeGaT Center For Human Genetics Tuebingen Variant Classification Criteria Version 2. Collection method: clinical testing. Allele origin: germline. Affected: yes. Observed: 1 variant allele.
Comment: SLC35A2: BP4, BS2

NM_005660.3(SLC35A2):c.439C>T (p.Leu147=)

Gene: SLC35A2 (solute carrier family 35 member A2; minus strand). Cytogenetic location: Xp11.23.
Variant type: single nucleotide variant.
Coding change: c.439C>T on transcript NM_005660.3 (MANE Select); coding-DNA position 439, C replaced by T.
Protein change: p.Leu147=; no amino-acid change (leucine 147 retained).
Molecular consequence: synonymous variant. On other transcripts: intron variant (3).
Genome position (GRCh38, 1-based): chrX:48,905,470, G>A on the plus strand (C>T on the coding strand, the complement: SLC35A2 is on the minus strand). VCF-style: chrX-48905470-G-A. GRCh37 (hg19) VCF-style: chrX-48762747-G-A.
Other names: c.439C>T, p.Leu147= (NM_001042498.3); c.256C>T, p.Leu86= (NM_001282649.2); c.478C>T, p.Leu160= (NM_001282650.2); c.523C>T, p.Leu175= (NM_001282651.2); c.427-578C>T (NM_001282647.2, NM_001032289.3); c.355-578C>T (NM_001282648.2).
Identifiers: ClinVar variation 2050836 (VCV002050836.28), dbSNP rs781984813, ClinGen allele CA10406130.
Genomic context (GRCh38, chrX:48,905,470, plus strand): 5'-GCCGGGAAAGGCTGCGATTCAGCATGAGCACGGAGAACAGCGCTGTGGTCAGGATCTTCA[G>A]CTGGTATGTCACCTGCGAGTGGCACGTGGAAGGCACTGAGGGCTGACCCTGGCCCCCAAC-3'
Protein context (NP_005651.1, residues 137-157): PAATFQVTYQ[Leu147=]KILTTALFSV